The following is an entry in ClinVar:

ClinVar aggregate classification (germline): Pathogenic (1 of 4 stars; one submission).

Conditions:
Neurofibromatosis, type 1 (NF1). Also called: VON RECKLINGHAUSEN DISEASE; Peripheral type neurofibromatosis; NEUROFIBROMATOSIS, TYPE I, SOMATIC; Neurofibromatosis, type I. Identifiers: Orphanet 636, MedGen C0027831, MONDO:0018975, OMIM 162200. Disease mechanism: loss of function.

Submission:

Labcorp Genetics (formerly Invitae), Labcorp
Classification: Pathogenic for Neurofibromatosis, type 1. Last evaluated: 2025-03-11. Review status: criteria provided, single submitter. Criteria: Invitae Variant Classification Sherloc (09022015). Collection method: clinical testing. Allele origin: germline.
Comment: This sequence change creates a premature translational stop signal (p.Arg487*) in the NF1 gene. It is expected to result in an absent or disrupted protein product. Loss-of-function variants in NF1 are known to be pathogenic (PMID: 10712197, 23913538). This variant is not present in population databases (gnomAD no frequency). This premature translational stop signal has been observed in individual(s) with neurofibromatosis (PMID: 29685074). For these reasons, this variant has been classified as Pathogenic.

Literature cited by the submitters: PubMed 10712197; PubMed 23913538; PubMed 29685074.

NM_001042492.3(NF1):c.1459A>T (p.Arg487Ter)

Gene: NF1 (neurofibromin 1; plus strand). Cytogenetic location: 17q11.2.
Variant type: single nucleotide variant.
Coding change: c.1459A>T on transcript NM_001042492.3 (MANE Select); coding-DNA position 1459, A replaced by T.
Protein change: p.Arg487Ter; replaces arginine 487 with a stop codon.
Molecular consequence: nonsense.
Genome position (GRCh38, 1-based): chr17:31,214,517, A>T. VCF-style: chr17-31214517-A-T. GRCh37 (hg19) VCF-style: chr17-29541535-A-T.
Other names: c.1459A>T, p.Arg487Ter (NM_000267.4, NM_001128147.3); short protein forms R487*.
Identifiers: ClinVar variation 4714843 (VCV004714843.1).
Genomic context (GRCh38, chr17:31,214,517, plus strand): 5'-ACATTTAAAGAAAAAGTAACAAGCCTTAAATTTAAAGAAAAACCTACAGACCTGGAGACA[A>T]GAAGCTATAAGTATCTTCTCTTGTCCATGGTGAAACTAATTCATGCAGATCCAAAGCTCT-3'